The following is an entry in ClinVar:

NM_013262.4(MYLIP):c.910A>G (p.Asn304Asp)

Gene: MYLIP (myosin regulatory light chain interacting protein; plus strand). Cytogenetic location: 6p22.3.
Variant type: single nucleotide variant.
Coding change: c.910A>G on transcript NM_013262.4 (MANE Select); coding-DNA position 910, A replaced by G.
Protein change: p.Asn304Asp; replaces asparagine 304 with aspartic acid.
Molecular consequence: missense variant.
Genome position (GRCh38, 1-based): chr6:16,144,979, A>G. VCF-style: chr6-16144979-A-G. GRCh37 (hg19) VCF-style: chr6-16145210-A-G.
Other names: c.745A>G, p.Asn249Asp (NM_001436627.1); short protein forms N249D, N304D.
Identifiers: ClinVar variation 4776018 (VCV004776018.1).

ClinVar aggregate classification (germline): Uncertain significance (1 of 4 stars; one submission).

gnomAD v4.1: 18 of 1,614,100 alleles (0.0011%); highest among the groups gnomAD compares: Non-Finnish European, 0.0014%; no homozygotes.

Submission:

Labcorp Genetics (formerly Invitae), Labcorp
Classification: Uncertain significance. Last evaluated: 2025-03-26. Review status: criteria provided, single submitter. Criteria: Invitae Variant Classification Sherloc (09022015). Collection method: clinical testing. Allele origin: germline.
Comment: This sequence change replaces asparagine, which is neutral and polar, with aspartic acid, which is acidic and polar, at codon 304 of the MYLIP protein (p.Asn304Asp). This variant is not present in population databases (gnomAD no frequency). This variant has not been reported in the literature in individuals affected with MYLIP-related conditions. An algorithm developed to predict the effect of missense changes on protein structure and function (PolyPhen-2) suggests that this variant is likely to be tolerated. In summary, the available evidence is currently insufficient to determine the role of this variant in disease. Therefore, it has been classified as a Variant of Uncertain Significance.